The following is an entry in ClinVar:

ClinVar aggregate classification (germline): Uncertain significance. Review status: criteria provided, multiple submitters, no conflicts (2 of 4 stars). 2 submissions from 2 submitters: Uncertain significance (2). Last evaluated 2024-09-24.

Conditions:
Emery-Dreifuss muscular dystrophy 5, autosomal dominant (EDMD5). Also called: EMERY-DREIFUSS MUSCULAR DYSTROPHY 5. Identifiers: Orphanet 261, MedGen C2751805, MONDO:0013072, OMIM 612999.

gnomAD v4.1: 33 of 1,613,882 alleles (0.002%); highest among the groups gnomAD compares: South Asian, 0.035%; no homozygotes.

Submissions (2):

Ambry Genetics
Classification: Uncertain significance. Last evaluated: 2024-09-24. Review status: criteria provided, single submitter. Criteria: Ambry Variant Classification Scheme 2023. Collection method: clinical testing. Allele origin: germline.

Labcorp Genetics (formerly Invitae), Labcorp
Classification: Uncertain significance for Emery-Dreifuss muscular dystrophy 5, autosomal dominant. Last evaluated: 2022-08-23. Review status: criteria provided, single submitter. Criteria: Invitae Variant Classification Sherloc (09022015). Collection method: clinical testing. Allele origin: germline.
Comment: In summary, the available evidence is currently insufficient to determine the role of this variant in disease. Therefore, it has been classified as a Variant of Uncertain Significance. Algorithms developed to predict the effect of missense changes on protein structure and function (SIFT, PolyPhen-2, Align-GVGD) all suggest that this variant is likely to be tolerated. ClinVar contains an entry for this variant (Variation ID: 1059784). This variant has not been reported in the literature in individuals affected with SYNE2-related conditions. This variant is present in population databases (rs199561218, gnomAD 0.04%), and has an allele count higher than expected for a pathogenic variant. This sequence change replaces arginine, which is basic and polar, with proline, which is neutral and non-polar, at codon 2659 of the SYNE2 protein (p.Arg2659Pro).

NM_182914.3(SYNE2):c.7976G>C (p.Arg2659Pro)

Gene: SYNE2 (spectrin repeat containing nuclear envelope protein 2; plus strand). Cytogenetic location: 14q23.2.
Variant type: single nucleotide variant.
Coding change: c.7976G>C on transcript NM_182914.3 (MANE Select); coding-DNA position 7976, G replaced by C.
Protein change: p.Arg2659Pro; replaces arginine 2659 with proline.
Molecular consequence: missense variant.
Genome position (GRCh38, 1-based): chr14:64,051,889, G>C. VCF-style: chr14-64051889-G-C. GRCh37 (hg19) VCF-style: chr14-64518607-G-C.
Other names: c.7976G>C, p.Arg2659Pro (NM_015180.6); c.7976G>C (NM_182914.2); short protein forms R2659P.
Identifiers: ClinVar variation 1059784 (VCV001059784.10), dbSNP rs199561218, ClinGen allele CA7221043.
Genomic context (GRCh38, chr14:64,051,889, plus strand): 5'-AGATTTCTCTGCAACAGCAGCAGCAACATCTACAGTTAAGGCTGAAGTCTCCAGAAGAAC[G>C]GGCAGGGAACCAAAGCATGATTGCCTTGACCACTGACCTCCAGGCTACCAAGCATGGATT-3'
Protein context (NP_878918.2, residues 2649-2669): LQLRLKSPEE[Arg2659Pro]AGNQSMIALT